The following is an entry in ClinVar:

ClinVar aggregate classification (germline): Uncertain significance (1 of 4 stars; one submission).

Submission:

Labcorp Genetics (formerly Invitae), Labcorp
Classification: Uncertain significance. Last evaluated: 2022-10-04. Review status: criteria provided, single submitter. Criteria: Invitae Variant Classification Sherloc (09022015). Collection method: clinical testing. Allele origin: germline.
Comment: In summary, the available evidence is currently insufficient to determine the role of this variant in disease. Therefore, it has been classified as a Variant of Uncertain Significance. Advanced modeling of protein sequence and biophysical properties (such as structural, functional, and spatial information, amino acid conservation, physicochemical variation, residue mobility, and thermodynamic stability) has been performed at Invitae for this missense variant, however the output from this modeling did not meet the statistical confidence thresholds required to predict the impact of this variant on KMT2A protein function. This sequence change replaces lysine, which is basic and polar, with arginine, which is basic and polar, at codon 2616 of the KMT2A protein (p.Lys2616Arg). This variant is not present in population databases (gnomAD no frequency). This variant has not been reported in the literature in individuals affected with KMT2A-related conditions.

NM_001197104.2(KMT2A):c.7847A>G (p.Lys2616Arg)

Gene: KMT2A (lysine methyltransferase 2A; plus strand). Cytogenetic location: 11q23.3.
Variant type: single nucleotide variant.
Coding change: c.7847A>G on transcript NM_001197104.2 (MANE Select); coding-DNA position 7847, A replaced by G.
Protein change: p.Lys2616Arg; replaces lysine 2616 with arginine.
Molecular consequence: missense variant.
Genome position (GRCh38, 1-based): chr11:118,503,739, A>G. VCF-style: chr11-118503739-A-G. GRCh37 (hg19) VCF-style: chr11-118374454-A-G.
Other names: c.7937A>G, p.Lys2646Arg (NM_001412597.1); c.7838A>G, p.Lys2613Arg (NM_005933.4); short protein forms K2613R, K2616R, K2646R.
Identifiers: ClinVar variation 1720990 (VCV001720990.5), dbSNP rs2497003641, ClinGen allele CA382807483.